The following is an entry in ClinVar:

NM_001061.7(TBXAS1):c.122_135del (p.Lys41fs)

Gene: TBXAS1 (thromboxane A synthase 1; plus strand). Cytogenetic location: 7q34.
Variant type: Deletion.
Coding change: c.122_135del on transcript NM_001061.7 (MANE Select); coding-DNA positions 122 to 135, 14 bases deleted (AGTTAGGCCTCAGA).
Protein change: p.Lys41fs; shifts the reading frame from lysine 41.
Molecular consequence: frameshift variant. On other transcripts: 5 prime UTR variant (1).
Genome position (GRCh38, 1-based): chr7:139,872,267-139,872,280, AGTTAGGCCTCAGA deleted; deleting any 14 consecutive bases within chr7:139,872,264-139,872,280 gives the same sequence; the c. name uses the placement nearest the transcript's 3' end. VCF-style (leftmost placement, unchanged base first): chr7-139872263-GAGAAGTTAGGCCTC-G. GRCh37 (hg19) VCF-style: chr7-139572062-GAGAAGTTAGGCCTC-G.
Other names: c.122_135del, p.Lys41fs (NM_001130966.5, NM_001166253.4, NM_001366538.2 and 1 more transcripts); c.-80_-67del (NM_001166254.4); c.36_49del, p.Glu12fs (NM_001314028.4, NM_001366537.3); short protein forms E12fs, K41fs.
Identifiers: ClinVar variation 992886 (VCV000992886.9), dbSNP rs763326515, ClinGen allele CA4511471.
Genomic context (GRCh38, chr7:139,872,263, plus strand): 5'-TCTCAGCTTTTGAAATCTGCTTTTCCCTCCAGGTACTCCACATCAGCATTCTCAAGACTG[GAGAAGTTAGGCCTC>G]AGACATCCCAAGCCTTCTCCTTTCATTGGAAACTTGACATTTTTCCGCCAGGTAAGGGCT-3'

ClinVar aggregate classification (germline): Conflicting classifications of pathogenicity. Review status: criteria provided, conflicting classifications (1 of 4 stars). 3 submissions from 3 submitters: Pathogenic (1); Uncertain significance (1). 1 of the submissions does not count toward it. Last evaluated 2023-07-10.

Conditions:
Ghosal hematodiaphyseal dysplasia. Also called: Ghosal hematodiaphyseal syndrome. Identifiers: Orphanet 1802, MedGen C1856465, MONDO:0009274, OMIM 231095.

Submissions (3):

Labcorp Genetics (formerly Invitae), Labcorp
Classification: Pathogenic. Last evaluated: 2023-07-10. Review status: criteria provided, single submitter. Criteria: Invitae Variant Classification Sherloc (09022015). Collection method: clinical testing. Allele origin: germline.
Comment: For these reasons, this variant has been classified as Pathogenic. ClinVar contains an entry for this variant (Variation ID: 992886). This premature translational stop signal has been observed in individual(s) with Ghosal hematodiaphyseal dysplasia (PMID: 35395429). This variant is present in population databases (rs763326515, gnomAD 0.02%). This sequence change creates a premature translational stop signal (p.Lys42Thrfs*47) in the TBXAS1 gene. It is expected to result in an absent or disrupted protein product. Loss-of-function variants in TBXAS1 are known to be pathogenic (PMID: 22735388).

Blueprint Genetics
Classification: Uncertain significance. Last evaluated: 2022-11-15. Review status: criteria provided, single submitter. Criteria: ACMG Guidelines, 2015. Collection method: clinical testing. Allele origin: germline.

Allergy Immunology Laboratory, Postgraduate Institute of Medical Education and Research, Chandigarh
Classification: Likely pathogenic for Ghosal hematodiaphyseal dysplasia. Last evaluated: 2020-12-21. Review status: no assertion criteria provided. Collection method: clinical testing. Allele origin: germline. Inheritance: Autosomal recessive inheritance. Affected: yes. Observed: 1 homozygote. Not counted in ClinVar's aggregate classification.
Comment: This variant results in a frameshift and premature truncation of the protein 47 amino acids downstream to codon 42. In silico prediction# of the variant is damaging by MutationTaster2. It was present in the heterozygous state with another variant on the other allele namely c.1376G>A; p.R459Q

Literature cited by the submitters: PubMed 35395429 (cited by Labcorp Genetics (formerly Invitae), Labcorp); PubMed 22735388 (cited by Labcorp Genetics (formerly Invitae), Labcorp).